The following is an entry in ClinVar:

NM_181486.4(TBX5):c.148G>A (p.Gly50Ser)

Gene: TBX5 (T-box transcription factor 5; minus strand). Cytogenetic location: 12q24.21.
Variant type: single nucleotide variant.
Coding change: c.148G>A on transcript NM_181486.4 (MANE Select); coding-DNA position 148, G replaced by A.
Protein change: p.Gly50Ser; replaces glycine 50 with serine.
Molecular consequence: missense variant. On other transcripts: 5 prime UTR variant (1).
Genome position (GRCh38, 1-based): chr12:114,401,920, C>T on the plus strand (G>A on the coding strand, the complement: TBX5 is on the minus strand). VCF-style: chr12-114401920-C-T. GRCh37 (hg19) VCF-style: chr12-114839725-C-T.
Other names: c.148G>A, p.Gly50Ser (NM_000192.3); c.-3G>A (NM_080717.4); short protein forms G50S.
Identifiers: ClinVar variation 3713755 (VCV003713755.4).

ClinVar aggregate classification (germline): Uncertain significance. Review status: criteria provided, multiple submitters, no conflicts (2 of 4 stars). 3 submissions from 3 submitters: Uncertain significance (3). Last evaluated 2026-09-04.

Conditions:
Aortic valve disease 2 (AOVD2). Identifiers: MedGen C3542024, MONDO:0013902, OMIM 614823.
Cardiovascular phenotype. Identifiers: MedGen CN230736.

gnomAD v4.1: 4 of 1,614,066 alleles (0.00025%); highest among the groups gnomAD compares: Non-Finnish European, 0.00034%; no homozygotes.

Submissions (3):

Ambry Genetics
Classification: Uncertain significance for Cardiovascular phenotype. Last evaluated: 2026-09-04. Review status: criteria provided, single submitter. Criteria: Ambry Variant Classification Scheme 2023. Collection method: clinical testing. Allele origin: germline.
Comment: The p.G50S variant (also known as c.148G>A) is located in coding exon 2 of the TBX5 gene. The glycine at codon 50 is replaced by serine, an amino acid with similar properties. This change occurs in the first base pair of coding exon 2. This amino acid position is conserved. In addition, the in silico prediction for this alteration is inconclusive. Based on the available evidence, the clinical significance of this variant remains unclear.

Labcorp Genetics (formerly Invitae), Labcorp
Classification: Uncertain significance for Aortic valve disease 2. Last evaluated: 2024-11-05. Review status: criteria provided, single submitter. Criteria: Invitae Variant Classification Sherloc (09022015). Collection method: clinical testing. Allele origin: germline.
Comment: This sequence change replaces glycine, which is neutral and non-polar, with serine, which is neutral and polar, at codon 50 of the TBX5 protein (p.Gly50Ser). This variant is not present in population databases (gnomAD no frequency). This variant has not been reported in the literature in individuals affected with TBX5-related conditions. An algorithm developed to predict the effect of missense changes on protein structure and function (PolyPhen-2) suggests that this variant is likely to be tolerated. In summary, the available evidence is currently insufficient to determine the role of this variant in disease. Therefore, it has been classified as a Variant of Uncertain Significance.

Blueprint Genetics
Classification: Uncertain significance. Last evaluated: 2023-05-15. Review status: criteria provided, single submitter. Criteria: ACMG Guidelines, 2015. Collection method: clinical testing. Allele origin: germline.